The following is an entry in ClinVar:

ClinVar aggregate classification (germline): Uncertain significance (1 of 4 stars; one submission).

Submission:

CeGaT Center for Human Genetics Tuebingen
Classification: Uncertain significance. Last evaluated: 2023-01-01. Review status: criteria provided, single submitter. Criteria: CeGaT Center For Human Genetics Tuebingen Variant Classification Criteria Version 2. Collection method: clinical testing. Allele origin: germline. Affected: yes. Observed: 1 variant allele.
Comment: PDE3A: PM2, BP4

NM_000921.5(PDE3A):c.1253A>G (p.Lys418Arg)

Gene: PDE3A (phosphodiesterase 3A; plus strand). Cytogenetic location: 12p12.2.
Variant type: single nucleotide variant.
Coding change: c.1253A>G on transcript NM_000921.5 (MANE Select); coding-DNA position 1253, A replaced by G.
Protein change: p.Lys418Arg; replaces lysine 418 with arginine.
Molecular consequence: missense variant.
Genome position (GRCh38, 1-based): chr12:20,613,684, A>G. VCF-style: chr12-20613684-A-G. GRCh37 (hg19) VCF-style: chr12-20766618-A-G.
Other names: c.287A>G, p.Lys96Arg (NM_001244683.2, NM_001378409.1); c.1253A>G, p.Lys418Arg (NM_001378407.1); c.290A>G, p.Lys97Arg (NM_001378408.1); short protein forms K418R, K96R, K97R.
Identifiers: ClinVar variation 2642771 (VCV002642771.24), dbSNP rs2497973497, ClinGen allele CA384071496.
Genomic context (GRCh38, chr12:20,613,684, plus strand): 5'-TCACTTCGCTCAGTGAAAACTATACCTGTTCTGACTCTGAAGAGAGCTCTGAAAAAGACA[A>G]GCTTGCTATTCCAAAGGTAGGTAGTAATGACATACCCCTTAAAGGGTTAAACTATTTTTT-3'
Protein context (NP_000912.3, residues 408-428): SDSEESSEKD[Lys418Arg]LAIPKRLRRS